The following is an entry in ClinVar:

ClinVar aggregate classification (germline): Uncertain significance (1 of 4 stars; one submission).

Submission:

Labcorp Genetics (formerly Invitae), Labcorp
Classification: Uncertain significance. Last evaluated: 2021-04-12. Review status: criteria provided, single submitter. Criteria: Invitae Variant Classification Sherloc (09022015). Collection method: clinical testing. Allele origin: germline.
Comment: In summary, the available evidence is currently insufficient to determine the role of this variant in disease. Therefore, it has been classified as a Variant of Uncertain Significance. Advanced modeling of protein sequence and biophysical properties (such as structural, functional, and spatial information, amino acid conservation, physicochemical variation, residue mobility, and thermodynamic stability) performed at Invitae indicates that this missense variant is not expected to disrupt CNGB1 protein function. This variant has not been reported in the literature in individuals with CNGB1-related conditions. This variant is not present in population databases (ExAC no frequency). This sequence change replaces glutamic acid with aspartic acid at codon 412 of the CNGB1 protein (p.Glu412Asp). The glutamic acid residue is weakly conserved and there is a small physicochemical difference between glutamic acid and aspartic acid.

NM_001297.5(CNGB1):c.1236G>C (p.Glu412Asp)

Gene: CNGB1 (cyclic nucleotide gated channel subunit beta 1; minus strand). Cytogenetic location: 16q21.
Variant type: single nucleotide variant.
Coding change: c.1236G>C on transcript NM_001297.5 (MANE Select); coding-DNA position 1236, G replaced by C.
Protein change: p.Glu412Asp; replaces glutamic acid 412 with aspartic acid.
Molecular consequence: missense variant.
Genome position (GRCh38, 1-based): chr16:57,939,566, C>G on the plus strand (G>C on the coding strand, the complement: CNGB1 is on the minus strand). VCF-style: chr16-57939566-C-G. GRCh37 (hg19) VCF-style: chr16-57973470-C-G.
Other names: c.1218G>C, p.Glu406Asp (NM_001286130.2); short protein forms E406D, E412D.
Identifiers: ClinVar variation 1387097 (VCV001387097.8), dbSNP rs2149376115, ClinGen allele CA396073171.